The following is an entry in ClinVar:

NM_014423.4(AFF4):c.178G>A (p.Asp60Asn)

Gene: AFF4 (ALF transcription elongation factor 4; minus strand). Cytogenetic location: 5q31.1.
Variant type: single nucleotide variant.
Coding change: c.178G>A on transcript NM_014423.4 (MANE Select); coding-DNA position 178, G replaced by A.
Protein change: p.Asp60Asn; replaces aspartic acid 60 with asparagine.
Molecular consequence: missense variant.
Genome position (GRCh38, 1-based): chr5:132,934,887, C>T on the plus strand (G>A on the coding strand, the complement: AFF4 is on the minus strand). VCF-style: chr5-132934887-C-T. GRCh37 (hg19) VCF-style: chr5-132270579-C-T.
Other names: c.178G>A (NM_014423.3); short protein forms D60N.
Identifiers: ClinVar variation 1354161 (VCV001354161.8), dbSNP rs2150099058, ClinGen allele CA360962722.

ClinVar aggregate classification (germline): Uncertain significance. Review status: criteria provided, multiple submitters, no conflicts (2 of 4 stars). 3 submissions from 3 submitters: Uncertain significance (3). Last evaluated 2025-03-16.

Conditions:
AFF4-related disorder. Also called: AFF4-related condition.
Cognitive impairment - coarse facies - heart defects - obesity - pulmonary involvement - short stature - skeletal dysplasia syndrome. Also called: Chops syndrome; AFF4-Related CHOPS Syndrome; COGNITIVE IMPAIRMENT, COARSE FACIES, HEART DEFECTS, OBESITY, PULMONARY INVOLVEMENT, SHORT STATURE, AND SKELETAL DYSPLASIA. Identifiers: Orphanet 444077, MedGen C4085597, MONDO:0014609, OMIM 616368.

gnomAD v4.1: 2 of 1,613,716 alleles (0.00012%); highest among the groups gnomAD compares: Non-Finnish European, 0.00017%; no homozygotes.

Submissions (3):

PreventionGenetics, part of Exact Sciences
Classification: Uncertain significance for AFF4-related condition. Last evaluated: 2025-03-16. Review status: criteria provided, single submitter. Criteria: ACMG Guidelines, 2015. Collection method: clinical testing. Allele origin: germline.
Comment: The AFF4 c.178G>A variant is predicted to result in the amino acid substitution p.Asp60Asn. To our knowledge, this variant has not been reported in the literature or in a large population database (gnomAD), indicating this variant is rare. At this time, the clinical significance of this variant is uncertain due to the absence of conclusive functional and genetic evidence.

Labcorp Genetics (formerly Invitae), Labcorp
Classification: Uncertain significance for Cognitive impairment - coarse facies - heart defects - obesity - pulmonary involvement - short stature - skeletal dysplasia syndrome. Last evaluated: 2023-07-17. Review status: criteria provided, single submitter. Criteria: Invitae Variant Classification Sherloc (09022015). Collection method: clinical testing. Allele origin: germline.
Comment: In summary, the available evidence is currently insufficient to determine the role of this variant in disease. Therefore, it has been classified as a Variant of Uncertain Significance. Advanced modeling of protein sequence and biophysical properties (such as structural, functional, and spatial information, amino acid conservation, physicochemical variation, residue mobility, and thermodynamic stability) performed at Invitae indicates that this missense variant is expected to disrupt AFF4 protein function. ClinVar contains an entry for this variant (Variation ID: 1354161). This variant has not been reported in the literature in individuals affected with AFF4-related conditions. This variant is not present in population databases (gnomAD no frequency). This sequence change replaces aspartic acid, which is acidic and polar, with asparagine, which is neutral and polar, at codon 60 of the AFF4 protein (p.Asp60Asn).

Fulgent Genetics
Classification: Uncertain significance for Cognitive impairment - coarse facies - heart defects - obesity - pulmonary involvement - short stature - skeletal dysplasia syndrome. Last evaluated: 2021-12-28. Review status: criteria provided, single submitter. Criteria: ACMG Guidelines, 2015. Collection method: clinical testing. Allele origin: unknown.